The following is an entry in ClinVar:

NM_006343.3(MERTK):c.1367C>T (p.Thr456Met)

Gene: MERTK (MER proto-oncogene, tyrosine kinase; plus strand). Cytogenetic location: 2q13.
Variant type: single nucleotide variant.
Coding change: c.1367C>T on transcript NM_006343.3 (MANE Select); coding-DNA position 1367, C replaced by T.
Protein change: p.Thr456Met; replaces threonine 456 with methionine.
Molecular consequence: missense variant.
Genome position (GRCh38, 1-based): chr2:111,994,321, C>T. VCF-style: chr2-111994321-C-T. GRCh37 (hg19) VCF-style: chr2-112751898-C-T.
Other names: short protein forms T456M.
Identifiers: ClinVar variation 837472 (VCV000837472.10), dbSNP rs754428081, ClinGen allele CA1831363.
Genomic context (GRCh38, chr2:111,994,321, plus strand): 5'-TGGAGGAAGTTGGCCAGAATGGCAGCCGAGCTCGGATCTCTGTTCAAGTCCACAATGCTA[C>T]GTGCACAGTGAGGATTGCAGCCGTCACCAGAGGGGGAGTTGGGCCCTTCAGTGATCCAGT-3'
Protein context (NP_006334.2, residues 446-466): ARISVQVHNA[Thr456Met]CTVRIAAVTR

ClinVar aggregate classification (germline): Uncertain significance. Review status: criteria provided, multiple submitters, no conflicts (2 of 4 stars). 2 submissions from 2 submitters: Uncertain significance (2). Last evaluated 2019-12-18.

Allele frequency attached by ClinVar (database versions not stated): ExAC 0.00002; gnomAD 0.00002 and 0.00003; gnomAD exomes 0.00002; TOPMed 0.00002.
gnomAD v4.1: 28 of 1,614,008 alleles (0.0017%); highest among the groups gnomAD compares: Middle Eastern, 0.016%; no homozygotes.

Submissions (2):

Labcorp Genetics (formerly Invitae), Labcorp
Classification: Uncertain significance. Last evaluated: 2019-12-18. Review status: criteria provided, single submitter. Criteria: Invitae Variant Classification Sherloc (09022015). Collection method: clinical testing. Allele origin: germline.
Comment: This variant has not been reported in the literature in individuals with MERTK-related conditions. In summary, the available evidence is currently insufficient to determine the role of this variant in disease. Therefore, it has been classified as a Variant of Uncertain Significance. Algorithms developed to predict the effect of missense changes on protein structure and function are either unavailable or do not agree on the potential impact of this missense change (SIFT: "Deleterious"; PolyPhen-2: "Benign"; Align-GVGD: "Class C65"). This variant is present in population databases (rs754428081, ExAC 0.003%). This sequence change replaces threonine with methionine at codon 456 of the MERTK protein (p.Thr456Met). The threonine residue is highly conserved and there is a moderate physicochemical difference between threonine and methionine.

Blueprint Genetics
Classification: Uncertain significance. Last evaluated: 2019-07-25. Review status: criteria provided, single submitter. Criteria: ACMG Guidelines, 2015. Collection method: clinical testing. Allele origin: germline.